The following is an entry in ClinVar:

ClinVar aggregate classification (germline): Likely benign. Review status: criteria provided, single submitter (1 of 4 stars). 2 submissions from 2 submitters: Likely benign (1). 1 of the submissions does not count toward it. Last evaluated 2025-07-03.

Conditions:
Smith-Lemli-Opitz syndrome (SLOS). Also called: 7-Dehydrocholesterol reductase deficiency; LETHAL ACRODYSGENITAL SYNDROME; POLYDACTYLY, SEX REVERSAL, RENAL HYPOPLASIA, AND UNILOBAR LUNG; RSH SYNDROME; RUTLEDGE LETHAL MULTIPLE CONGENITAL ANOMALY SYNDROME. Identifiers: Orphanet 818, MedGen C0175694, MONDO:0010035, OMIM 270400.
DHCR7-related disorder. Also called: DHCR7-related condition.

Allele frequency attached by ClinVar (database versions not stated): gnomAD exomes below 0.00001; gnomAD 0.00001.

Submissions (2):

Labcorp Genetics (formerly Invitae), Labcorp
Classification: Likely benign for Smith-Lemli-Opitz syndrome. Last evaluated: 2025-07-03. Review status: criteria provided, single submitter. Criteria: Invitae Variant Classification Sherloc (09022015). Collection method: clinical testing. Allele origin: germline.

PreventionGenetics, part of Exact Sciences
Classification: Likely benign for DHCR7-related condition. Last evaluated: 2022-04-24. Review status: no assertion criteria provided. Collection method: clinical testing. Allele origin: germline. Not counted in ClinVar's aggregate classification.
Comment: This variant is classified as likely benign based on ACMG/AMP sequence variant interpretation guidelines (Richards et al. 2015 PMID: 25741868, with internal and published modifications).

NM_001360.3(DHCR7):c.669C>T (p.Ile223=)

Gene: DHCR7 (7-dehydrocholesterol reductase; minus strand). Cytogenetic location: 11q13.4.
Variant type: single nucleotide variant.
Coding change: c.669C>T on transcript NM_001360.3 (MANE Select); coding-DNA position 669, C replaced by T.
Protein change: p.Ile223=; no amino-acid change (isoleucine 223 retained).
Molecular consequence: synonymous variant.
Genome position (GRCh38, 1-based): chr11:71,439,041, G>A on the plus strand (C>T on the coding strand, the complement: DHCR7 is on the minus strand). VCF-style: chr11-71439041-G-A. GRCh37 (hg19) VCF-style: chr11-71150087-G-A.
Other names: c.669C>T (NM_001360.2); c.669C>T, p.Ile223= (NM_001163817.2).
Identifiers: ClinVar variation 1124855 (VCV001124855.11), dbSNP rs879926326, ClinGen allele CA224328010.